The following is an entry in ClinVar:

ClinVar aggregate classification (germline): Uncertain significance (1 of 4 stars; one submission).

Conditions:
Brody myopathy. Also called: BRODY DISEASE. Identifiers: Orphanet 53347, MedGen C1832918, MONDO:0010977, OMIM 601003.

Submission:

Labcorp Genetics (formerly Invitae), Labcorp
Classification: Uncertain significance for Brody myopathy. Last evaluated: 2021-10-07. Review status: criteria provided, single submitter. Criteria: Invitae Variant Classification Sherloc (09022015). Collection method: clinical testing. Allele origin: germline.
Comment: In summary, the available evidence is currently insufficient to determine the role of this variant in disease. Therefore, it has been classified as a Variant of Uncertain Significance. Algorithms developed to predict the effect of missense changes on protein structure and function are either unavailable or do not agree on the potential impact of this missense change (SIFT: "Deleterious"; PolyPhen-2: "Probably Damaging"; Align-GVGD: "Class C0"). This variant has not been reported in the literature in individuals affected with ATP2A1-related conditions. This variant is not present in population databases (ExAC no frequency). This sequence change replaces leucine with methionine at codon 253 of the ATP2A1 protein (p.Leu253Met). The leucine residue is moderately conserved and there is a small physicochemical difference between leucine and methionine.

NM_004320.6(ATP2A1):c.757C>A (p.Leu253Met)

Gene: ATP2A1 (ATPase sarcoplasmic/endoplasmic reticulum Ca2+ transporting 1; plus strand). Cytogenetic location: 16p11.2.
Variant type: single nucleotide variant.
Coding change: c.757C>A on transcript NM_004320.6 (MANE Select); coding-DNA position 757, C replaced by A.
Protein change: p.Leu253Met; replaces leucine 253 with methionine.
Molecular consequence: missense variant.
Genome position (GRCh38, 1-based): chr16:28,887,551, C>A. VCF-style: chr16-28887551-C-A. GRCh37 (hg19) VCF-style: chr16-28898872-C-A.
Other names: c.382C>A, p.Leu128Met (NM_001286075.2); c.757C>A, p.Leu253Met (NM_173201.5); short protein forms L253M, L128M.
Identifiers: ClinVar variation 1354280 (VCV001354280.6), dbSNP rs2152203930, ClinGen allele CA395403891.